The following is an entry in ClinVar:

NM_007294.4(BRCA1):c.2111_2112del (p.Asn704fs)

Gene: BRCA1 (BRCA1 DNA repair associated; minus strand). Cytogenetic location: 17q21.31.
Variant type: Deletion.
Coding change: c.2111_2112del on transcript NM_007294.4 (MANE Select); coding-DNA positions 2111 to 2112, 2 bases deleted (AT; older notation c.2111_2112delAT).
Protein change: p.Asn704fs; shifts the reading frame from asparagine 704.
Molecular consequence: frameshift variant. On other transcripts: intron variant (137).
Genome position (GRCh38, 1-based): chr17:43,093,419-43,093,420, AT deleted on the plus strand (AT on the coding strand, the reverse complement: BRCA1 is on the minus strand). VCF-style (leftmost placement, unchanged base first): chr17-43093418-CAT-C. GRCh37 (hg19) VCF-style: chr17-41245435-CAT-C.
Other names: c.1898_1899del, p.Asn633fs (NM_001407853.1, NM_001407917.1, NM_001407918.1 and 9 more transcripts); c.2111_2112del, p.Asn704fs (NM_001407854.1, NM_001407858.1, NM_001407859.1 and 30 more transcripts); c.2108_2109del, p.Asn703fs (NM_001407860.1, NM_001407861.1, NM_001407587.1 and 22 more transcripts); c.1910_1911del, p.Asn637fs (NM_001407862.1); c.1988_1989del, p.Asn663fs (NM_001407863.1, NM_001407919.1, NM_001407648.1 and 19 more transcripts); c.1907_1908del, p.Asn636fs (NM_001407874.1, NM_001407875.1); c.1901_1902del, p.Asn634fs (NM_001407879.1, NM_001407881.1, NM_001407882.1 and 13 more transcripts); c.787+1324_787+1325del (NM_001407976.1, NM_001407980.1, NM_001407993.1 and 17 more transcripts); and 42 more; short protein forms N657fs, N704fs, N662fs, N701fs, N634fs, N637fs, N677fs, N678fs.
Identifiers: ClinVar variation 942992 (VCV000942992.9), dbSNP rs2053824237, ClinGen allele CA1139664784.

ClinVar aggregate classification (germline): Pathogenic (1 of 4 stars; one submission).

Conditions:
Hereditary breast ovarian cancer syndrome. Also called: Hereditary breast and ovarian cancer syndrome (HBOC); Hereditary breast and ovarian cancer; Breast and ovarian cancer; BRCA1- and BRCA2-Associated Hereditary Breast and Ovarian Cancer; Hereditary breast and ovarian cancer syndrome; Hereditary breast and/or ovarian cancer syndrome. Identifiers: Orphanet 145, MedGen C0677776, MeSH D061325, MONDO:0003582. Disease mechanism: loss of function.

Submission:

Labcorp Genetics (formerly Invitae), Labcorp
Classification: Pathogenic for Hereditary breast ovarian cancer syndrome. Last evaluated: 2019-08-24. Review status: criteria provided, single submitter. Criteria: Invitae Variant Classification Sherloc (09022015). Collection method: clinical testing. Allele origin: germline.
Comment: For these reasons, this variant has been classified as Pathogenic. Loss-of-function variants in BRCA1 are known to be pathogenic (PMID: 20104584). This variant has not been reported in the literature in individuals with BRCA1-related conditions. This variant is not present in population databases (ExAC no frequency). This sequence change creates a premature translational stop signal (p.Asn704Serfs*7) in the BRCA1 gene. It is expected to result in an absent or disrupted protein product.

Literature cited by the submitters: PubMed 20104584.